The following is an entry in ClinVar:

ClinVar aggregate classification (germline): Uncertain significance (1 of 4 stars; one submission).

Conditions:
Familial thoracic aortic aneurysm and aortic dissection (TAAD). Also called: Thoracic aortic aneurysms and dissections. Identifiers: Orphanet 91387, MedGen C4707243, MONDO:0019625.
Marfan syndrome (MFS). Also called: MARFAN SYNDROME, TYPE I; Marfan syndrome type 1; Marfan's syndrome; Marfan syndrome, classic; FBN1-Related Marfan Syndrome. Identifiers: Orphanet 284963, Orphanet 558, MedGen C0024796, MONDO:0007947, OMIM 154700.

Submission:

Labcorp Genetics (formerly Invitae), Labcorp
Classification: Uncertain significance for Marfan syndrome; Familial thoracic aortic aneurysm and aortic dissection. Last evaluated: 2022-08-10. Review status: criteria provided, single submitter. Criteria: Invitae Variant Classification Sherloc (09022015). Collection method: clinical testing. Allele origin: germline.
Comment: In summary, the available evidence is currently insufficient to determine the role of this variant in disease. Therefore, it has been classified as a Variant of Uncertain Significance. Advanced modeling of protein sequence and biophysical properties (such as structural, functional, and spatial information, amino acid conservation, physicochemical variation, residue mobility, and thermodynamic stability) performed at Invitae indicates that this missense variant is not expected to disrupt FBN1 protein function. This variant has not been reported in the literature in individuals affected with FBN1-related conditions. This variant is not present in population databases (gnomAD no frequency). This sequence change replaces alanine, which is neutral and non-polar, with proline, which is neutral and non-polar, at codon 945 of the FBN1 protein (p.Ala945Pro).

NM_000138.5(FBN1):c.2833G>C (p.Ala945Pro)

Gene: FBN1 (fibrillin 1; minus strand). Cytogenetic location: 15q21.1.
Variant type: single nucleotide variant.
Coding change: c.2833G>C on transcript NM_000138.5 (MANE Select); coding-DNA position 2833, G replaced by C.
Protein change: p.Ala945Pro; replaces alanine 945 with proline.
Molecular consequence: missense variant.
Genome position (GRCh38, 1-based): chr15:48,492,482, C>G on the plus strand (G>C on the coding strand, the complement: FBN1 is on the minus strand). VCF-style: chr15-48492482-C-G. GRCh37 (hg19) VCF-style: chr15-48784679-C-G.
Other names: c.2833G>C, p.Ala945Pro (NM_001406716.1); short protein forms A945P.
Identifiers: ClinVar variation 2088587 (VCV002088587.4), dbSNP rs1216969896, ClinGen allele CA392330472.
Genomic context (GRCh38, chr15:48,492,482, plus strand): 5'-ATAAATTATTATTAGAAAAATAATGAGCTCAGTATTTACCAAGACAGATCCTTCCTGTGG[C>G]ATCCAAAGTCATTCCACTGGGACACTGACACTTGAATGACCCCCTAGTGTTAACACACAG-3'
Protein context (NP_000129.3, residues 935-955): CQCPSGMTLD[Ala945Pro]TGRICLDIRL